The following is an entry in ClinVar:

ClinVar aggregate classification (germline): Pathogenic. Review status: criteria provided, multiple submitters, no conflicts (2 of 4 stars). 3 submissions from 3 submitters: Pathogenic (2). 1 of the submissions does not count toward it. Last evaluated 2024-06-21.

Conditions:
Charcot-Marie-Tooth disease. Also called: Charcot-Marie-Tooth Hereditary Neuropathy; Charcot-Marie-Tooth Neuropathy. Identifiers: Orphanet 166, MedGen C0007959, MONDO:0015626.
Hereditary insensitivity to pain with anhidrosis (CIPA). Also called: INSENSITIVITY TO PAIN, CONGENITAL, WITH ANHIDROSIS; HSAN Type IV; NTRK1 Congenital Insensitivity to Pain with Anhidrosis; FAMILIAL DYSAUTONOMIA, TYPE II; hereditary sensory and autonomic neuropathy type 4; NEUROPATHY, CONGENITAL SENSORY, WITH ANHIDROSIS. Identifiers: Orphanet 642, MedGen C0020074, MONDO:0009746, OMIM 256800.

Submissions (3):

Natera, Inc.
Classification: Pathogenic for Hereditary insensitivity to pain with anhidrosis. Last evaluated: 2024-06-21. Review status: criteria provided, single submitter. Criteria: Natera Variant Classification Schema (03/2026). Collection method: clinical testing. Allele origin: germline.
Comment: The c.924_930delGCCGGCA variant in NTRK1 is a frameshift variant predicted to shift the reading frame beginning at codon 308 and leads to a stop codon 154 codons downstream. This variant is expected to result in nonsense mediated decay, truncation, or a dysfunctional protein product. This variant is rare in the general population with a frequency below the threshold expected for the associated phenotype(s). This variant has been observed in one or more individuals affected with the associated recessive disease, as either homozygous or compound heterozygous with a second variant (PMID: 10330344). Given the available evidence, this variant is classified as Pathogenic.

Labcorp Genetics (formerly Invitae), Labcorp
Classification: Pathogenic for Hereditary insensitivity to pain with anhidrosis. Last evaluated: 2023-07-16. Review status: criteria provided, single submitter. Criteria: Invitae Variant Classification Sherloc (09022015). Collection method: clinical testing. Allele origin: germline.
Comment: For these reasons, this variant has been classified as Pathogenic. ClinVar contains an entry for this variant (Variation ID: 637912). This variant is also known as c.1008_1014delGCCGGCA. This premature translational stop signal has been observed in individual(s) with congenital insensitivity to pain (PMID: 10330344). This variant is not present in population databases (gnomAD no frequency). This sequence change creates a premature translational stop signal (p.Gln308Hisfs*154) in the NTRK1 gene. It is expected to result in an absent or disrupted protein product. Loss-of-function variants in NTRK1 are known to be pathogenic (PMID: 10982191).

Inherited Neuropathy Consortium
Classification: Uncertain significance for Charcot-Marie-Tooth disease. Review status: no assertion criteria provided. Collection method: literature only. Allele origin: germline. Affected: yes. Not counted in ClinVar's aggregate classification.

Literature cited by the submitters: PubMed 10330344 (cited by 3 submitters); PubMed 10982191 (cited by Labcorp Genetics (formerly Invitae), Labcorp).

NM_002529.4(NTRK1):c.924_930del (p.Gln308fs)

Gene: NTRK1 (neurotrophic receptor tyrosine kinase 1; plus strand). Cytogenetic location: 1q23.1.
Variant type: Deletion.
Coding change: c.924_930del on transcript NM_002529.4 (MANE Select); coding-DNA positions 924 to 930, 7 bases deleted (GCCGGCA; older notation c.924_930delGCCGGCA).
Protein change: p.Gln308fs; shifts the reading frame from glutamine 308.
Molecular consequence: frameshift variant.
Genome position (GRCh38, 1-based): chr1:156,873,706-156,873,712, GCCGGCA deleted; deleting any 7 consecutive bases within chr1:156,873,702-156,873,712 gives the same sequence; the c. name uses the placement nearest the transcript's 3' end. VCF-style (leftmost placement, unchanged base first): chr1-156873701-GGGCAGCC-G. GRCh37 (hg19) VCF-style: chr1-156843493-GGGCAGCC-G.
Other names: c.924_930delGCCGGCA (NM_001012331.1); c.834_840del, p.Gln278fs (NM_001007792.1); c.924_930del, p.Gln308fs (NM_001012331.2); short protein forms Q278fs, Q308fs.
Identifiers: ClinVar variation 637912 (VCV000637912.13), dbSNP rs1571695851, ClinGen allele CA915941473.
Genomic context (GRCh38, chr1:156,873,701, plus strand): 5'-AGTGTGCAGCTGCACACGGCGGTGGAGATGCACCACTGGTGCATCCCCTTCTCTGTGGAT[GGGCAGCC>G]GGCACCGTCTCTGCGCTGGCTCTTCAATGGCTCCGTGCTCAATGAGACCAGCTTCATCTT-3'